The following is an entry in ClinVar:

ClinVar aggregate classification (germline): Uncertain significance (1 of 4 stars; one submission).

Allele frequency attached by ClinVar (database versions not stated): gnomAD exomes below 0.00001; gnomAD 0.00001.
gnomAD v4.1: 3 of 1,609,592 alleles (0.00019%); highest among the groups gnomAD compares: African/African-American, 0.004%; no homozygotes.

Submission:

Labcorp Genetics (formerly Invitae), Labcorp
Classification: Uncertain significance. Last evaluated: 2024-10-26. Review status: criteria provided, single submitter. Criteria: Invitae Variant Classification Sherloc (09022015). Collection method: clinical testing. Allele origin: germline.
Comment: This sequence change replaces glycine, which is neutral and non-polar, with arginine, which is basic and polar, at codon 750 of the SLC26A3 protein (p.Gly750Arg). This variant is not present in population databases (gnomAD no frequency). This variant has not been reported in the literature in individuals affected with SLC26A3-related conditions. ClinVar contains an entry for this variant (Variation ID: 1963741). Invitae Evidence Modeling of protein sequence and biophysical properties (such as structural, functional, and spatial information, amino acid conservation, physicochemical variation, residue mobility, and thermodynamic stability) indicates that this missense variant is not expected to disrupt SLC26A3 protein function with a negative predictive value of 95%. In summary, the available evidence is currently insufficient to determine the role of this variant in disease. Therefore, it has been classified as a Variant of Uncertain Significance.

NM_000111.3(SLC26A3):c.2248G>A (p.Gly750Arg)

Gene: SLC26A3 (solute carrier family 26 member 3; minus strand). Cytogenetic location: 7q22.3.
Variant type: single nucleotide variant.
Coding change: c.2248G>A on transcript NM_000111.3 (MANE Select); coding-DNA position 2248, G replaced by A.
Protein change: p.Gly750Arg; replaces glycine 750 with arginine.
Molecular consequence: missense variant.
Genome position (GRCh38, 1-based): chr7:107,767,602, C>T on the plus strand (G>A on the coding strand, the complement: SLC26A3 is on the minus strand). VCF-style: chr7-107767602-C-T. GRCh37 (hg19) VCF-style: chr7-107408047-C-T.
Other names: short protein forms G750R.
Identifiers: ClinVar variation 1963741 (VCV001963741.4), dbSNP rs1793936042, ClinGen allele CA368849384.
Genomic context (GRCh38, chr7:107,767,602, plus strand): 5'-ATGTCTAGGTGAAGATAAACCTGTTGAAGAATCTTACCTCATATACCCGATTACGTAATC[C>T]TCCATTTGTATTTATGGTAAAATCAATTTTTCCATCTTTTTCCTGAGAAAAAGAGAATGG-3'
Protein context (NP_000102.1, residues 740-760): KIDFTINTNG[Gly750Arg]LRNRVYEVPV